The following is an entry in ClinVar:

NM_001083614.2(EARS2):c.1316C>T (p.Ser439Leu)

Gene: EARS2 (glutamyl-tRNA synthetase 2, mitochondrial; minus strand). Cytogenetic location: 16p12.2.
Variant type: single nucleotide variant.
Coding change: c.1316C>T on transcript NM_001083614.2 (MANE Select); coding-DNA position 1316, C replaced by T.
Protein change: p.Ser439Leu; replaces serine 439 with leucine.
Molecular consequence: missense variant. On other transcripts: non-coding transcript variant (1).
Genome position (GRCh38, 1-based): chr16:23,529,538, G>A on the plus strand (C>T on the coding strand, the complement: EARS2 is on the minus strand). VCF-style: chr16-23529538-G-A. GRCh37 (hg19) VCF-style: chr16-23540859-G-A.
Other names: c.1316C>T, p.Ser439Leu (NM_001308211.1, NM_133451.1); short protein forms S439L.
Identifiers: ClinVar variation 2420469 (VCV002420469.6), dbSNP rs747235837, ClinGen allele CA7962354.
Genomic context (GRCh38, chr16:23,529,538, plus strand): 5'-TGAGCTCAGCCTGCGGGTACTCACCCCAGCACACGCTTGGCAATCACATCCACCTTCTCC[G>A]AGATGGCGTCCAGCTGTGCTCGACCTACTGCAGGGCGAGTCCACAGGTAAGAGTATACTG-3'
Protein context (NP_001077083.1, residues 429-449): AVGRAQLDAI[Ser439Leu]EKVDVIAKRV

ClinVar aggregate classification (germline): Uncertain significance (1 of 4 stars; one submission).

Allele frequency attached by ClinVar (database versions not stated): TOPMed below 0.00001; ExAC 0.00001; gnomAD 0.00001; gnomAD exomes 0.00002.
gnomAD v4.1: 26 of 1,614,022 alleles (0.0016%); highest among the groups gnomAD compares: Admixed American, 0.005%; no homozygotes.

Submission:

Labcorp Genetics (formerly Invitae), Labcorp
Classification: Uncertain significance. Last evaluated: 2022-04-08. Review status: criteria provided, single submitter. Criteria: Invitae Variant Classification Sherloc (09022015). Collection method: clinical testing. Allele origin: germline.
Comment: This sequence change replaces serine, which is neutral and polar, with leucine, which is neutral and non-polar, at codon 439 of the EARS2 protein (p.Ser439Leu). This variant is present in population databases (rs747235837, gnomAD 0.009%). This variant has not been reported in the literature in individuals affected with EARS2-related conditions. Algorithms developed to predict the effect of missense changes on protein structure and function output the following: SIFT: "Tolerated"; PolyPhen-2: "Benign"; Align-GVGD: "Class C0". The leucine amino acid residue is found in multiple mammalian species, which suggests that this missense change does not adversely affect protein function. In summary, the available evidence is currently insufficient to determine the role of this variant in disease. Therefore, it has been classified as a Variant of Uncertain Significance.